The following is an entry in ClinVar:

NM_001082486.2(ACD):c.974C>T (p.Thr325Ile)

Gene: ACD (ACD shelterin complex subunit and telomerase recruitment factor; minus strand). Cytogenetic location: 16q22.1.
Variant type: single nucleotide variant.
Coding change: c.974C>T on transcript NM_001082486.2 (MANE Select); coding-DNA position 974, C replaced by T.
Protein change: p.Thr325Ile; replaces threonine 325 with isoleucine.
Molecular consequence: missense variant.
Genome position (GRCh38, 1-based): chr16:67,658,218, G>A on the plus strand (C>T on the coding strand, the complement: ACD is on the minus strand). VCF-style: chr16-67658218-G-A. GRCh37 (hg19) VCF-style: chr16-67692121-G-A.
Other names: c.974C>T, p.Thr325Ile (LRG_1237t1); c.965C>T, p.Thr322Ile (NM_022914.3); short protein forms T325I, T322I.
Identifiers: ClinVar variation 572279 (VCV000572279.12), dbSNP rs777812658, ClinGen allele CA8114473.

ClinVar aggregate classification (germline): Uncertain significance. Review status: criteria provided, multiple submitters, no conflicts (2 of 4 stars). 2 submissions from 2 submitters: Uncertain significance (2). Last evaluated 2025-08-18.

Conditions:
Inborn genetic diseases. Identifiers: MedGen C0950123, MeSH D030342.
Dyskeratosis congenita, autosomal dominant 6 (DKCA6). Identifiers: Orphanet 3322, MedGen C4225284, MONDO:0014690, OMIM 616553.

Allele frequency attached by ClinVar (database versions not stated): TOPMed 0.00002.
gnomAD v4.1: 38 of 1,613,272 alleles (0.0024%); highest among the groups gnomAD compares: Middle Eastern, 0.016%; no homozygotes.

Submissions (2):

Labcorp Genetics (formerly Invitae), Labcorp
Classification: Uncertain significance for Dyskeratosis congenita, autosomal dominant 6. Last evaluated: 2025-08-18. Review status: criteria provided, single submitter. Criteria: Invitae Variant Classification Sherloc (09022015). Collection method: clinical testing. Allele origin: germline.
Comment: This sequence change replaces threonine, which is neutral and polar, with isoleucine, which is neutral and non-polar, at codon 411 of the ACD protein (p.Thr411Ile). This variant is present in population databases (rs777812658, gnomAD 0.002%). This variant has not been reported in the literature in individuals affected with ACD-related conditions. ClinVar contains an entry for this variant (Variation ID: 572279). Invitae Evidence Modeling of protein sequence and biophysical properties (such as structural, functional, and spatial information, amino acid conservation, physicochemical variation, residue mobility, and thermodynamic stability) indicates that this missense variant is not expected to disrupt ACD protein function with a negative predictive value of 80%. In summary, the available evidence is currently insufficient to determine the role of this variant in disease. Therefore, it has been classified as a Variant of Uncertain Significance.

Ambry Genetics
Classification: Uncertain significance for Inborn genetic diseases. Last evaluated: 2025-08-01. Review status: criteria provided, single submitter. Criteria: Ambry Variant Classification Scheme 2023. Collection method: clinical testing. Allele origin: germline.